The following is an entry in ClinVar:

NM_005912.3(MC4R):c.118T>C (p.Cys40Arg)

Gene: MC4R (melanocortin 4 receptor; minus strand). Cytogenetic location: 18q21.32.
Variant type: single nucleotide variant.
Coding change: c.118T>C on transcript NM_005912.3 (MANE Select); coding-DNA position 118, T replaced by C.
Protein change: p.Cys40Arg; replaces cysteine 40 with arginine.
Molecular consequence: missense variant.
Genome position (GRCh38, 1-based): chr18:60,372,232, A>G on the plus strand (T>C on the coding strand, the complement: MC4R is on the minus strand). VCF-style: chr18-60372232-A-G. GRCh37 (hg19) VCF-style: chr18-58039465-A-G.
Other names: short protein forms C40R.
Identifiers: ClinVar variation 4991028 (VCV004991028.1).

ClinVar aggregate classification (germline): Uncertain significance (1 of 4 stars; one submission).

Conditions:
MC4R-related disorder. Also called: MC4R-related condition.

Submission:

PreventionGenetics, part of Exact Sciences
Classification: Uncertain significance for MC4R-related condition. Last evaluated: 2026-06-16. Review status: criteria provided, single submitter. Criteria: ACMG Guidelines, 2015. Collection method: clinical testing. Allele origin: germline.
Comment: The MC4R c.118T>C variant is predicted to result in the amino acid substitution p.Cys40Arg. This variant was reported in an individual with obesity (Rong et al. 2006. PubMed ID: 16886960). This variant was also reported in a functional study on MC4R-associated obesity and was found to result in impaired ligand-stimulated ERK1/2 activation (He et al. 2014. PubMed ID: 25332687). This variant has not been reported in a large population database (gnomAD), indicating this variant is rare. At this time, the clinical significance of this variant is uncertain due to the absence of conclusive functional and genetic evidence.